The following is an entry in ClinVar:

NM_001330078.2(NRXN1):c.4303G>A (p.Val1435Ile)

Gene: NRXN1 (neurexin 1; minus strand). Cytogenetic location: 2p16.3.
Variant type: single nucleotide variant.
Coding change: c.4303G>A on transcript NM_001330078.2 (MANE Select); coding-DNA position 4303, G replaced by A.
Protein change: p.Val1435Ile; replaces valine 1435 with isoleucine.
Molecular consequence: missense variant.
Genome position (GRCh38, 1-based): chr2:49,922,165, C>T on the plus strand (G>A on the coding strand, the complement: NRXN1 is on the minus strand). VCF-style: chr2-49922165-C-T. GRCh37 (hg19) VCF-style: chr2-50149303-C-T.
Other names: c.4423G>A, p.Val1475Ile (NM_001135659.3); c.208G>A, p.Val70Ile (NM_001320156.4); c.199G>A, p.Val67Ile (NM_001320157.4); c.4279G>A, p.Val1427Ile (NM_001330077.2); c.4270G>A, p.Val1424Ile (NM_001330082.2); c.4138G>A, p.Val1380Ile (NM_001330083.2); c.4237G>A, p.Val1413Ile (NM_001330084.2); c.4276G>A, p.Val1426Ile (NM_001330085.2); and 12 more; short protein forms V1368I, V1380I, V1413I, V1434I, V367I, V370I, V1365I, V1427I.
Identifiers: ClinVar variation 2155613 (VCV002155613.4), dbSNP rs139281864, ClinGen allele CA1654227.

ClinVar aggregate classification (germline): Uncertain significance (1 of 4 stars; one submission).

Conditions:
Pitt-Hopkins-like syndrome 2 (PTHSL2). Identifiers: Orphanet 221150, Orphanet 600663, MedGen C3280479, MONDO:0013690, OMIM 614325.

Allele frequency attached by ClinVar (database versions not stated): gnomAD 0.00001; TOPMed 0.00001; ExAC 0.00002; ESP Exome Variant Server 0.00008.
gnomAD v4.1: 44 of 1,614,030 alleles (0.0027%); highest among the groups gnomAD compares: Admixed American, 0.005%; no homozygotes.

Submission:

Labcorp Genetics (formerly Invitae), Labcorp
Classification: Uncertain significance for Pitt-Hopkins-like syndrome 2. Last evaluated: 2025-01-30. Review status: criteria provided, single submitter. Criteria: Invitae Variant Classification Sherloc (09022015). Collection method: clinical testing. Allele origin: germline.
Comment: This sequence change replaces valine, which is neutral and non-polar, with isoleucine, which is neutral and non-polar, at codon 1475 of the NRXN1 protein (p.Val1475Ile). This variant is present in population databases (rs139281864, gnomAD 0.009%). This variant has not been reported in the literature in individuals affected with NRXN1-related conditions. ClinVar contains an entry for this variant (Variation ID: 2155613). Invitae Evidence Modeling of protein sequence and biophysical properties (such as structural, functional, and spatial information, amino acid conservation, physicochemical variation, residue mobility, and thermodynamic stability) indicates that this missense variant is not expected to disrupt NRXN1 protein function with a negative predictive value of 80%. In summary, the available evidence is currently insufficient to determine the role of this variant in disease. Therefore, it has been classified as a Variant of Uncertain Significance.